The following is an entry in ClinVar:

ClinVar aggregate classification (germline): Likely benign. Review status: criteria provided, multiple submitters, no conflicts (2 of 4 stars). 4 submissions from 4 submitters: Likely benign (3). 1 of the submissions does not count toward it. Last evaluated 2025-11-01.

Conditions:
PRR12-related disorder. Also called: PRR12-related condition.

Allele frequency attached by ClinVar (database versions not stated): 1000 Genomes Project 30x 0.00109; 1000 Genomes Project 0.00120; gnomAD exomes 0.00179; ESP Exome Variant Server 0.00180; gnomAD 0.00188 and 0.00197; TOPMed 0.00198; ExAC 0.00213.
gnomAD v4.1: 4,890 of 1,606,608 alleles (0.3%); highest among the groups gnomAD compares: Non-Finnish European, 0.38%; 11 homozygotes.

Submissions (4):

CeGaT Center for Human Genetics Tuebingen
Classification: Likely benign. Last evaluated: 2025-11-01. Review status: criteria provided, single submitter. Criteria: CeGaT Center For Human Genetics Tuebingen Variant Classification Criteria Version 2. Collection method: clinical testing. Allele origin: germline. Affected: yes. Observed: 2 variant alleles.
Comment: PRR12: BS1

Labcorp Genetics (formerly Invitae), Labcorp
Classification: Likely benign. Last evaluated: 2019-12-31. Review status: criteria provided, single submitter. Criteria: Invitae Variant Classification Sherloc (09022015). Collection method: clinical testing. Allele origin: germline.

Breakthrough Genomics
Classification: Likely benign. Review status: criteria provided, single submitter. Criteria: ACMG Guidelines, 2015. Collection method: not provided. Allele origin: germline. Inheritance: Autosomal dominant inheritance. Affected: yes.

PreventionGenetics, part of Exact Sciences
Classification: Likely benign for PRR12-related condition. Last evaluated: 2022-08-26. Review status: no assertion criteria provided. Collection method: clinical testing. Allele origin: germline. Not counted in ClinVar's aggregate classification.
Comment: This variant is classified as likely benign based on ACMG/AMP sequence variant interpretation guidelines (Richards et al. 2015 PMID: 25741868, with internal and published modifications).

NM_020719.3(PRR12):c.3373G>A (p.Val1125Ile)

Gene: PRR12 (proline rich 12; plus strand). Cytogenetic location: 19q13.33.
Variant type: single nucleotide variant.
Coding change: c.3373G>A on transcript NM_020719.3 (MANE Select); coding-DNA position 3373, G replaced by A.
Protein change: p.Val1125Ile; replaces valine 1125 with isoleucine.
Molecular consequence: missense variant.
Genome position (GRCh38, 1-based): chr19:49,597,708, G>A. VCF-style: chr19-49597708-G-A. GRCh37 (hg19) VCF-style: chr19-50100965-G-A.
Other names: short protein forms V1125I.
Identifiers: ClinVar variation 781470 (VCV000781470.30), dbSNP rs202038770, ClinGen allele CA9578281.